The following is an entry in ClinVar:

ClinVar aggregate classification (germline): Benign (0 of 4 stars; one submission).

Conditions:
TOPBP1-related disorder. Also called: TOPBP1-related condition.

Allele frequency attached by ClinVar (database versions not stated): ESP Exome Variant Server 0.08520; gnomAD exomes 0.09124; TOPMed 0.10611; gnomAD 0.10787; ExAC 0.12416; 1000 Genomes Project 30x 0.14085; 1000 Genomes Project 0.14437.
gnomAD v4.1: 150,588 of 1,612,876 alleles (9.3%); highest among the groups gnomAD compares: East Asian, 21%; 8,262 homozygotes.

Submission:

PreventionGenetics, part of Exact Sciences
Classification: Benign for TOPBP1-related condition. Last evaluated: 2020-02-18. Review status: no assertion criteria provided. Collection method: clinical testing. Allele origin: germline.
Comment: This variant is classified as benign based on ACMG/AMP sequence variant interpretation guidelines (Richards et al. 2015 PMID: 25741868, with internal and published modifications).

NM_007027.4(TOPBP1):c.3012G>A (p.Val1004=)

Gene: TOPBP1 (DNA topoisomerase II binding protein 1; minus strand). Cytogenetic location: 3q22.1.
Variant type: single nucleotide variant.
Coding change: c.3012G>A on transcript NM_007027.4 (MANE Select); coding-DNA position 3012, G replaced by A.
Protein change: p.Val1004=; no amino-acid change (valine 1004 retained).
Molecular consequence: synonymous variant.
Genome position (GRCh38, 1-based): chr3:133,623,374, C>T on the plus strand (G>A on the coding strand, the complement: TOPBP1 is on the minus strand). VCF-style: chr3-133623374-C-T. GRCh37 (hg19) VCF-style: chr3-133342218-C-T.
Other names: c.2997G>A, p.Val999= (NM_001363889.2).
Identifiers: ClinVar variation 3059013 (VCV003059013.2), dbSNP rs4854738, ClinGen allele CA2624103.